The following is an entry in ClinVar:

ClinVar aggregate classification (germline): Uncertain significance (1 of 4 stars; one submission).

Conditions:
Carney complex, type 1 (CNC1). Also called: CARNEY MYXOMA-ENDOCRINE COMPLEX; CARNEY COMPLEX, TYPE I. Identifiers: Orphanet 1359, MedGen C2607929, MONDO:0008057, OMIM 160980.

Submission:

Labcorp Genetics (formerly Invitae), Labcorp
Classification: Uncertain significance for Carney complex, type 1. Last evaluated: 2024-12-23. Review status: criteria provided, single submitter. Criteria: Invitae Variant Classification Sherloc (09022015). Collection method: clinical testing. Allele origin: germline.
Comment: This sequence change replaces threonine, which is neutral and polar, with alanine, which is neutral and non-polar, at codon 182 of the PRKAR1A protein (p.Thr182Ala). This variant is not present in population databases (gnomAD no frequency). This variant has not been reported in the literature in individuals affected with PRKAR1A-related conditions. Invitae Evidence Modeling of protein sequence and biophysical properties (such as structural, functional, and spatial information, amino acid conservation, physicochemical variation, residue mobility, and thermodynamic stability) indicates that this missense variant is not expected to disrupt PRKAR1A protein function with a negative predictive value of 95%. In summary, the available evidence is currently insufficient to determine the role of this variant in disease. Therefore, it has been classified as a Variant of Uncertain Significance.

NM_002734.5(PRKAR1A):c.544A>G (p.Thr182Ala)

Gene: PRKAR1A (protein kinase cAMP-dependent type I regulatory subunit alpha; plus strand). Cytogenetic location: 17q24.2.
Variant type: single nucleotide variant.
Coding change: c.544A>G on transcript NM_002734.5 (MANE Select); coding-DNA position 544, A replaced by G.
Protein change: p.Thr182Ala; replaces threonine 182 with alanine.
Molecular consequence: missense variant.
Genome position (GRCh38, 1-based): chr17:68,524,953, A>G. VCF-style: chr17-68524953-A-G. GRCh37 (hg19) VCF-style: chr17-66521094-A-G.
Other names: c.544A>G, p.Thr182Ala (NM_001276289.2, NM_001276290.1, NM_001278433.2 and 4 more transcripts); short protein forms T182A.
Identifiers: ClinVar variation 3719843 (VCV003719843.2).